The following is an entry in ClinVar:

ClinVar aggregate classification (germline): Benign/Likely benign. Review status: criteria provided, multiple submitters, no conflicts (2 of 4 stars). 3 submissions from 2 submitters: Benign (2); Likely benign (1). Last evaluated 2021-06-01.

Conditions:
Liddle syndrome 2. Identifiers: MedGen C4748251, MONDO:0020854, OMIM 618114.
Pseudohypoaldosteronism, type IB1, autosomal recessive. Also called: Pseudohypoaldosteronism, Type I, Autosomal Recessive; PHA I, AUTOSOMAL RECESSIVE; Pseudohypoaldosteronism, Type I, Recessive; Autosomal recessive pseudohypoaldosteronism type 1. Identifiers: Orphanet 171876, Orphanet 756, MedGen C5774176, MONDO:0009917, OMIM 264350.

Allele frequency attached by ClinVar (database versions not stated): gnomAD 0.00910 and 0.00958; TOPMed 0.00982; 1000 Genomes Project 0.01278; 1000 Genomes Project 30x 0.01437.

Submissions (3):

GeneDx
Classification: Likely benign. Last evaluated: 2021-06-01. Review status: criteria provided, single submitter. Criteria: GeneDx Variant Classification Process June 2021. Collection method: clinical testing. Allele origin: germline. Affected: yes.
Comment: See Variant Classification Assertion Criteria.

Illumina Laboratory Services, Illumina
Classification: Benign for Pseudohypoaldosteronism, type IB1, autosomal recessive. Last evaluated: 2018-01-13. Review status: criteria provided, single submitter. Criteria: ICSL Variant Classification Criteria 13 December 2019. Collection method: clinical testing. Allele origin: germline.
Comment: This variant was observed in the ICSL laboratory as part of a predisposition screen in an ostensibly healthy population. It had not been previously curated by ICSL or reported in the Human Gene Mutation Database (HGMD: prior to June 1st, 2018), and was therefore a candidate for classification through an automated scoring system. Utilizing variant allele frequency, disease prevalence and penetrance estimates, and inheritance mode, an automated score was calculated to assess if this variant is too frequent to cause the disease. Based on the score and internal cut-off values, a variant classified as benign is not then subjected to further curation. The score for this variant resulted in a classification of benign for this disease.

Illumina Laboratory Services, Illumina
Classification: Benign for Liddle syndrome 2. Last evaluated: 2018-01-13. Review status: criteria provided, single submitter. Criteria: ICSL Variant Classification Criteria 13 December 2019. Collection method: clinical testing. Allele origin: germline.
Comment: the same text as in the submission from Illumina Laboratory Services, Illumina above.

NM_001039.4(SCNN1G):c.*1261G>A

Gene: SCNN1G (sodium channel epithelial 1 subunit gamma; plus strand). Cytogenetic location: 16p12.2.
Variant type: single nucleotide variant.
Coding change: c.*1261G>A on transcript NM_001039.4 (MANE Select); 1261 bases downstream of the stop codon, G replaced by A.
Molecular consequence: 3 prime UTR variant.
Genome position (GRCh38, 1-based): chr16:23,216,730, G>A. VCF-style: chr16-23216730-G-A. GRCh37 (hg19) VCF-style: chr16-23228051-G-A.
Identifiers: ClinVar variation 318379 (VCV000318379.6), dbSNP rs8043698, ClinGen allele CA10643197.